The following is an entry in ClinVar:

NM_024675.4(PALB2):c.2858A>G (p.Asp953Gly)

Gene: PALB2 (partner and localizer of BRCA2; minus strand). Cytogenetic location: 16p12.2.
Variant type: single nucleotide variant.
Coding change: c.2858A>G on transcript NM_024675.4 (MANE Select); coding-DNA position 2858, A replaced by G.
Protein change: p.Asp953Gly; replaces aspartic acid 953 with glycine.
Molecular consequence: missense variant.
Genome position (GRCh38, 1-based): chr16:23,623,107, T>C on the plus strand (A>G on the coding strand, the complement: PALB2 is on the minus strand). VCF-style: chr16-23623107-T-C. GRCh37 (hg19) VCF-style: chr16-23634428-T-C.
Other names: short protein forms D953G.
Identifiers: ClinVar variation 481097 (VCV000481097.21), dbSNP rs1555459583, ClinGen allele CA395144455.
Genomic context (GRCh38, chr16:23,623,107, plus strand): 5'-GTCAGGCCAAGCACAGCTTTTATATTTCCAGACTTCAGTAGTACTTGCTTTTCACTTTCA[T>C]CATCAGAGGAACAAAACAATGCCCTAAGCCAAATATAAGGAAAAATGGGGTGATGTGAGG-3'
Protein context (NP_078951.2, residues 943-963): EIRALFCSSD[Asp953Gly]ESEKQVLLKS

ClinVar aggregate classification (germline): Conflicting classifications of pathogenicity. Review status: criteria provided, conflicting classifications (1 of 4 stars). 5 submissions from 5 submitters: Uncertain significance (4); Likely benign (1). Last evaluated 2025-07-25.

Conditions:
Hereditary cancer-predisposing syndrome. Also called: Hereditary Cancer Syndrome; Neoplastic Syndromes, Hereditary; Tumor predisposition; Hereditary neoplastic syndrome. Identifiers: Orphanet 140162, MedGen C0027672, MeSH D009386, MONDO:0015356.
Familial cancer of breast. Also called: BREAST CANCER, FAMILIAL; Hereditary breast cancer; hereditary breast carcinoma. Identifiers: Orphanet 227535, MedGen C0346153, MONDO:0016419, OMIM 114480. Disease mechanism: loss of function.

Submissions (5):

Labcorp Genetics (formerly Invitae), Labcorp
Classification: Uncertain significance for Familial cancer of breast. Last evaluated: 2025-07-25. Review status: criteria provided, single submitter. Criteria: Invitae Variant Classification Sherloc (09022015). Collection method: clinical testing. Allele origin: germline.
Comment: This sequence change replaces aspartic acid, which is acidic and polar, with glycine, which is neutral and non-polar, at codon 953 of the PALB2 protein (p.Asp953Gly). This variant is not present in population databases (gnomAD no frequency). This variant has not been reported in the literature in individuals affected with PALB2-related conditions. ClinVar contains an entry for this variant (Variation ID: 481097). Invitae Evidence Modeling of protein sequence and biophysical properties (such as structural, functional, and spatial information, amino acid conservation, physicochemical variation, residue mobility, and thermodynamic stability) indicates that this missense variant is not expected to disrupt PALB2 protein function with a negative predictive value of 80%. In summary, the available evidence is currently insufficient to determine the role of this variant in disease. Therefore, it has been classified as a Variant of Uncertain Significance.

Quest Diagnostics Nichols Institute San Juan Capistrano
Classification: Uncertain significance. Last evaluated: 2023-07-04. Review status: criteria provided, single submitter. Criteria: Quest Diagnostics criteria. Collection method: clinical testing. Allele origin: unknown.
Comment: In the published literature, this variant has been only briefly reported in an individual suspected of cancer susceptibility (PMID: 28526081 (2017)). This variant has not been reported in large, multi-ethnic general populations (Genome Aggregation Database). Analysis of this variant using bioinformatics tools for the prediction of the effect of amino acid changes on protein structure and function yielded predictions that this variant is benign. Based on the available information, we are unable to determine the clinical significance of this variant.

Sema4
Classification: Uncertain significance for Hereditary cancer-predisposing syndrome. Last evaluated: 2021-05-28. Review status: criteria provided, single submitter. Criteria: Sema4 Curation Guidelines. Collection method: curation. Allele origin: germline.
Comment: The PALB2 c.2858A>G (p.D953G) variant has not been reported in the literature to our knowledge. It was not observed in the large and broad cohorts of the Genome Aggregation Database (PMID: 32461654) but has been reported in ClinVar (Variation ID 481097). In silico tools suggest the impact of the variant on protein function is benign, though these predictions have not been confirmed by functional studies. The evidence is insufficient to meet ACMG/AMP criteria for classifying the variant as benign or pathogenic. Thus, the clinical significance of this variant is currently uncertain.

Color Diagnostics, LLC DBA Color Health
Classification: Uncertain significance for Hereditary cancer-predisposing syndrome. Last evaluated: 2021-03-16. Review status: criteria provided, single submitter. Criteria: ACMG Guidelines, 2015. Collection method: clinical testing. Allele origin: germline.
Comment: This missense variant replaces aspartic acid with glycine at codon 953 of the PALB2 protein. Computational prediction suggests that this variant may not impact protein structure and function (internally defined REVEL score threshold <= 0.5, PMID: 27666373). To our knowledge, functional studies have not been reported for this variant. This variant has not been reported in individuals affected with hereditary cancer in the literature. This variant has not been identified in the general population by the Genome Aggregation Database (gnomAD). The available evidence is insufficient to determine the role of this variant in disease conclusively. Therefore, this variant is classified as a Variant of Uncertain Significance.

Ambry Genetics
Classification: Likely benign for Hereditary cancer-predisposing syndrome. Last evaluated: 2018-04-05. Review status: criteria provided, single submitter. Criteria: Ambry Variant Classification Scheme 2023. Collection method: clinical testing. Allele origin: germline.

Literature cited by the submitters: PubMed 28526081 (cited by Quest Diagnostics Nichols Institute San Juan Capistrano).